The following is an entry in ClinVar:

ClinVar aggregate classification (germline): Conflicting classifications of pathogenicity. Review status: criteria provided, conflicting classifications (1 of 4 stars). 3 submissions from 3 submitters: Pathogenic (1); Likely pathogenic (1); Uncertain significance (1). Last evaluated 2026-08-18.

Conditions:
Epilepsy. Also called: Seizure disorder. Identifiers: MedGen C0014544, MeSH D004827, MONDO:0005027.

Submissions (3):

GeneDx
Classification: Likely pathogenic. Last evaluated: 2026-08-18. Review status: criteria provided, single submitter. Criteria: GeneDx Variant Classification Process June 2021. Collection method: clinical testing. Allele origin: germline.
Comment: Not observed at significant frequency in large population cohorts (gnomAD); In silico analysis supports that this missense variant has a deleterious effect on protein structure/function; Has not been previously published as pathogenic or benign to our knowledge

Mendelics
Classification: Pathogenic for Epilepsy. Last evaluated: 2026-03-05. Review status: criteria provided, single submitter. Criteria: ACMG Guidelines, 2015. Collection method: clinical testing. Allele origin: unknown.
Comment: Likely pathogenic/Pathogenic according to ACMG criteria.

Women's Health and Genetics/Laboratory Corporation of America, LabCorp
Classification: Uncertain significance. Last evaluated: 2024-03-11. Review status: criteria provided, single submitter. Criteria: LabCorp Variant Classification Summary - May 2015. Collection method: clinical testing. Allele origin: germline.
Comment: Variant summary: CSNK2A1 c.215C>T (p.Pro72Leu) results in a non-conservative amino acid change located in the Protein kinase domain (IPR000719) of the encoded protein sequence. Four of five in-silico tools predict a damaging effect of the variant on protein function. Consensus agreement among computation tools predict no significant impact on normal splicing. However, these predictions have yet to be confirmed by functional studies. The variant was absent in 250048 control chromosomes. The available data on variant occurrences in the general population are insufficient to allow any conclusion about variant significance. To our knowledge, no occurrence of c.215C>T in individuals affected with Okur-Chung Neurodevelopmental Syndrome and no experimental evidence demonstrating its impact on protein function have been reported. No submitters have cited clinical-significance assessments for this variant to ClinVar. Based on the evidence outlined above, the variant was classified as uncertain significance.

NM_177559.3(CSNK2A1):c.215C>T (p.Pro72Leu)

Gene: CSNK2A1 (casein kinase 2 alpha 1; minus strand). Cytogenetic location: 20p13.
Variant type: single nucleotide variant.
Coding change: c.215C>T on transcript NM_177559.3 (MANE Select); coding-DNA position 215, C replaced by T.
Protein change: p.Pro72Leu; replaces proline 72 with leucine.
Molecular consequence: missense variant. On other transcripts: 5 prime UTR variant (1).
Genome position (GRCh38, 1-based): chr20:499,933, G>A on the plus strand (C>T on the coding strand, the complement: CSNK2A1 is on the minus strand). VCF-style: chr20-499933-G-A. GRCh37 (hg19) VCF-style: chr20-480577-G-A.
Other names: c.215C>T (NM_001895.3); c.215C>T, p.Pro72Leu (NM_001362770.2, NM_001362771.2, NM_001895.4); c.-194C>T (NM_177560.3); short protein forms P72L.
Identifiers: ClinVar variation 3233525 (VCV003233525.5), dbSNP rs2514662627, ClinGen allele CA407937823.